The following is an entry in ClinVar:

ClinVar aggregate classification (germline): Uncertain significance (1 of 4 stars; one submission).

Conditions:
Cystic fibrosis (CF). Also called: MUCOVISCIDOSIS. Identifiers: Orphanet 586, MedGen C0010674, MONDO:0009061, OMIM 219700. Disease mechanism: loss of function.

gnomAD v4.1: 25 of 152,270 alleles (0.016%); highest among the groups gnomAD compares: South Asian, 0.52%; 1 homozygote.

Submission:

Johns Hopkins Genomics, Johns Hopkins University
Classification: Uncertain significance for Cystic fibrosis. Last evaluated: 2024-04-10. Review status: criteria provided, single submitter. Criteria: ACMG Guidelines, 2015. Collection method: clinical testing. Allele origin: germline.
Comment: PP3, BS1_supporting

NM_000492.4(CFTR):c.54-10546A>G

Gene: CFTR (CF transmembrane conductance regulator; plus strand). Cytogenetic location: 7q31.2.
Variant type: single nucleotide variant.
Coding change: c.54-10546A>G on transcript NM_000492.4 (MANE Select); 10546 bases into the intron before coding-DNA position 54, A replaced by G.
Molecular consequence: intron variant.
Genome position (GRCh38, 1-based): chr7:117,493,707, A>G. VCF-style: chr7-117493707-A-G. GRCh37 (hg19) VCF-style: chr7-117133761-A-G.
Identifiers: ClinVar variation 4280015 (VCV004280015.1).